The following is an entry in ClinVar:

ClinVar aggregate classification (germline): Likely benign (1 of 4 stars; one submission).

gnomAD v4.1: 32 of 1,612,446 alleles (0.002%); highest among the groups gnomAD compares: Non-Finnish European, 0.0025%; no homozygotes.

Submission:

Molecular Diagnostic Laboratory for Inherited Cardiovascular Disease, Montreal Heart Institute
Classification: Likely benign. Last evaluated: 2025-04-09. Review status: criteria provided, single submitter. Criteria: ACMG Guidelines, 2015. Collection method: clinical testing. Allele origin: germline. Affected: no.
Comment: BP1

NM_001267550.2(TTN):c.11311+4421C>G

Gene: TTN (titin; minus strand). Cytogenetic location: 2q31.2.
Variant type: single nucleotide variant.
Coding change: c.11311+4421C>G on transcript NM_001267550.2 (MANE Select); 4421 bases into the intron after coding-DNA position 11311, C replaced by G.
Molecular consequence: intron variant. On other transcripts: missense variant (1).
Genome position (GRCh38, 1-based): chr2:178,748,703, G>C on the plus strand (C>G on the coding strand, the complement: TTN is on the minus strand). VCF-style: chr2-178748703-G-C. GRCh37 (hg19) VCF-style: chr2-179613430-G-C.
Other names: c.13697C>G, p.Ala4566Gly (NM_133379.5); c.10222+4421C>G (NM_003319.4); c.10798+4421C>G (NM_133437.4); c.10597+4421C>G (NM_133432.3); c.10360+4421C>G (NM_133378.4, NM_001256850.1); short protein forms A4566G.
Identifiers: ClinVar variation 3894737 (VCV003894737.1), dbSNP rs1220514234.